The following is an entry in ClinVar:

NM_001130987.2(DYSF):c.3166C>T (p.Arg1056Ter)

Gene: DYSF (dysferlin; plus strand). Cytogenetic location: 2p13.2.
Variant type: single nucleotide variant.
Coding change: c.3166C>T on transcript NM_001130987.2 (MANE Select); coding-DNA position 3166, C replaced by T.
Protein change: p.Arg1056Ter; replaces arginine 1056 with a stop codon.
Molecular consequence: nonsense.
Genome position (GRCh38, 1-based): chr2:71,570,679, C>T. VCF-style: chr2-71570679-C-T. GRCh37 (hg19) VCF-style: chr2-71797809-C-T.
Other names: NM_001130987.2(DYSF):c.3166C>T; c.3115C>T, p.Arg1039Ter (NM_001130455.2, NM_001130983.2); c.3070C>T, p.Arg1024Ter (NM_001130976.2, NM_001130977.2); c.3112C>T, p.Arg1038Ter (NM_001130978.2, NM_003494.4); c.3205C>T, p.Arg1069Ter (NM_001130979.2); c.3163C>T, p.Arg1055Ter (NM_001130980.2, NM_001130981.2); c.3208C>T, p.Arg1070Ter (NM_001130982.2); c.3073C>T, p.Arg1025Ter (NM_001130984.2, NM_001130986.2); and 1 more; short protein forms R1038*, R1056*, R1039*, R1024*, R1025*, R1069*, R1070*, R1055*.
Identifiers: ClinVar variation 217225 (VCV000217225.56), dbSNP rs369607332, ClinGen allele CA277609.

ClinVar aggregate classification (germline): Pathogenic. Review status: reviewed by expert panel (3 of 4 stars). 16 submissions from 16 submitters: Pathogenic (1). 15 of the submissions do not count toward it. Last evaluated 2025-07-29.

Conditions:
Autosomal recessive DYSF-related disorders.
Neuromuscular disease caused by qualitative or quantitative defects of dysferlin. Also called: Dysferlinopathy; Qualitative or quantitative defects of dysferlin. Identifiers: Orphanet 207073, MedGen C2931687, MONDO:0016145.
Autosomal recessive limb-girdle muscular dystrophy. Identifiers: Orphanet 102015, MedGen C2931907, MONDO:0015152.
Distal myopathy with anterior tibial onset. Identifiers: Orphanet 178400, MedGen C1847532, MONDO:0011721, OMIM 606768.
Miyoshi muscular dystrophy 1 (MMD1). Identifiers: Orphanet 45448, MedGen C4551973, MONDO:0024545, OMIM 254130.
Autosomal recessive limb-girdle muscular dystrophy type 2B (LGMDR2). Also called: Limb-girdle muscular dystrophy, type 2B; MUSCULAR DYSTROPHY, LIMB-GIRDLE, TYPE 3; MUSCULAR DYSTROPHY, LIMB-GIRDLE, AUTOSOMAL RECESSIVE 2; Limb-Girdle Muscular Dystrophy Type 2B (LGMD2B). Identifiers: Orphanet 268, MedGen C1850889, MONDO:0009676, OMIM 253601.
Abnormality of the musculature. Identifiers: MedGen C4021745, HP:0003011.

Allele frequency attached by ClinVar (database versions not stated): TOPMed 0.00003.
gnomAD v4.1: 70 of 1,613,960 alleles (0.0043%); highest among the groups gnomAD compares: African/African-American, 0.0093%; no homozygotes.

Submissions 1 to 9 of 16:

ClinGen Limb Girdle Muscular Dystrophy Variant Curation Expert Panel, ClinGen
Classification: Pathogenic for Autosomal recessive limb-girdle muscular dystrophy. Last evaluated: 2025-07-29. Review status: reviewed by expert panel. Criteria: ClinGen LGMD VCEP ACMG Specifications DYSF V1.0.0. Collection method: curation. Allele origin: germline. Inheritance: Autosomal recessive inheritance.
Comment: The NM_003494.4: c.3112C>T p.(Arg1038Ter) variant in DYSF, which is also known as NM_001130987.2: c.3166C>T p.(Arg1056Ter), is a nonsense variant predicted to cause a premature stop codon in biologically relevant exon 29/55, leading to nonsense mediated decay in a gene in which loss of function is an established disease mechanism (PVS1). This variant has been reported in at least five individuals with signs of dysferlinopathy (PMID: 36983702, 23243261, 17698709, 16010686), including confirmed in trans with a likely pathogenic or pathogenic DYSF variant in three patients (NM_003494.4: c.2643+1G>A, 1.0 pt, PMID: 36983702; NM_003494.4: c.4497del p.(Phe1499LeufsTer4), 1.0 pt, PMID: 23243261; NM_003494.4: c.3832C>T p.(Gln1278Ter), 1.0 pt, PMID: 16010686, 7698709). At least one of the patients with this variant and a second presumed diagnostic DYSF allele displayed progressive limb girdle muscle weakness and disease range dysferlin expression in blood monocytes, which is highly specific for DYSF-related LGMD (PP4_Strong; PMID: 36983702). The filtering allele frequency for this variant is 0.00005974 in gnomAD v4.1.0 exomes (the upper bound of the 95% confidence interval for 57/1111956 European (non-Finnish) chromosomes, which is less than the VCEP threshold of 0.0001 (PM2_Supporting). In summary, this variant meets the criteria to be classified as Pathogenic for autosomal recessive limb girdle muscular dystrophy based on the ACMG/AMP criteria applied, as specified by the ClinGen LGMD VCEP (LGMD VCEP specifications version 1.0.0; 07/29/2025): PVS1, PM3_Strong, PP4_Strong, PM2_Supporting.

Natera, Inc.
Classification: Pathogenic for Limb-girdle muscular dystrophy type 2B. Last evaluated: 2025-08-28. Review status: criteria provided, single submitter. Criteria: Natera Variant Classification Schema (03/2026). Collection method: clinical testing. Allele origin: germline. Not counted in ClinVar's aggregate classification.
Comment: The c.3112C>T variant in DYSF is a nonsense variant predicted to introduce a stop codon at amino acid 1038. This variant is expected to result in nonsense mediated decay, truncation, or a dysfunctional protein product. This variant is rare in the general population with a frequency below the threshold expected for the associated phenotype(s). This variant has been observed in one or more individuals affected with the associated recessive disease, as either homozygous or compound heterozygous with a second variant (PMID: 36319958). Given the available evidence, this variant is classified as Pathogenic.

Women's Health and Genetics/Laboratory Corporation of America, LabCorp
Classification: Pathogenic for Autosomal recessive limb-girdle muscular dystrophy. Last evaluated: 2025-07-14. Review status: criteria provided, single submitter. Criteria: LabCorp Variant Classification Summary - May 2015. Collection method: clinical testing. Allele origin: germline. Not counted in ClinVar's aggregate classification.
Comment: Variant summary: DYSF c.3112C>T (p.Arg1038X) results in a premature termination codon, predicted to cause a truncation of the encoded protein or absence of the protein due to nonsense mediated decay, which are commonly known mechanisms for disease. The variant allele was found at a frequency of 2.4e-05 in 250626 control chromosomes. c.3112C>T has been observed in multiple compound heterozygous and homozygous individuals affected with Limb-Girdle Muscular Dystrophy, Autosomal Recessive (PMID: Rufibach_2023). These data indicate that the variant is very likely to be associated with disease. To our knowledge, no experimental evidence demonstrating an impact on protein function has been reported. The following publication has been ascertained in the context of this evaluation (PMID: 36983702). ClinVar contains an entry for this variant (Variation ID: 217225). Based on the evidence outlined above, the variant was classified as pathogenic.

Variantyx, Inc.
Classification: Pathogenic for Autosomal recessive DYSF-related disorders. Last evaluated: 2025-04-08. Review status: criteria provided, single submitter. Criteria: Variantyx Assertion Criteria 2022. Collection method: clinical testing. Allele origin: germline. Inheritance: Autosomal recessive inheritance. Affected: no. Not counted in ClinVar's aggregate classification.
Comment: Pathogenic variants in this gene have been associated with autosomal recessive DYSF-related disorders. This variant introduces a premature termination codon in exon 29 out of 56 and is expected to result in loss of function, which is a known disease mechanism for DYSF in this disorder (PVS1). This variant has been reported in the homozygous or compound heterozygous state in at least two unrelated affected individuals (PMID: 23243261, 33610434) (PM3). It has a 0.0093% maximum allele frequency in non-founder control populations (PM2). Based on the current evidence, this variant is classified as pathogenic for autosomal recessive DYSF-related disorders. No other variant of clinical significance was identified in the DYSF gene.

Labcorp Genetics (formerly Invitae), Labcorp
Classification: Pathogenic for Neuromuscular disease caused by qualitative or quantitative defects of dysferlin. Last evaluated: 2025-02-10. Review status: criteria provided, single submitter. Criteria: Invitae Variant Classification Sherloc (09022015). Collection method: clinical testing. Allele origin: germline. Not counted in ClinVar's aggregate classification.
Comment: This sequence change creates a premature translational stop signal (p.Arg1038*) in the DYSF gene. It is expected to result in an absent or disrupted protein product. Loss-of-function variants in DYSF are known to be pathogenic (PMID: 17698709, 20301480). This variant is present in population databases (rs369607332, gnomAD 0.01%). This premature translational stop signal has been observed in individuals with Miyoshi Myopathy (PMID: 16010686, 20497525, 23243261, 23254335). ClinVar contains an entry for this variant (Variation ID: 217225). For these reasons, this variant has been classified as Pathogenic.

3billion
Classification: Pathogenic for Autosomal recessive limb-girdle muscular dystrophy type 2B. Last evaluated: 2024-11-08. Review status: criteria provided, single submitter. Criteria: ACMG Guidelines, 2015. Collection method: clinical testing. Allele origin: germline. Affected: yes. Not counted in ClinVar's aggregate classification.
Comment: The variant is observed at an extremely low frequency in the gnomAD v4.1.0 dataset (total allele frequency: 0.004%). Predicted Consequence/Location: Stop-gained (nonsense): predicted to result in a loss or disruption of normal protein function through nonsense-mediated decay (NMD) or protein truncation. Multiple pathogenic variants are reported downstream of the variant. The variant has been reported at least twice as pathogenic with clinical assertions and evidence for the classification (ClinVar ID: VCV000217225 /PMID: 16010686). Therefore, this variant is classified as Pathogenic according to the recommendation of ACMG/AMP guideline.

Baylor Genetics
Classification: Pathogenic for Miyoshi muscular dystrophy 1. Last evaluated: 2024-02-05. Review status: criteria provided, single submitter. Criteria: ACMG Guidelines, 2015. Collection method: clinical testing. Allele origin: unknown. Not counted in ClinVar's aggregate classification.

Revvity Omics, Revvity
Classification: Pathogenic. Last evaluated: 2023-12-28. Review status: criteria provided, single submitter. Criteria: ACMG Guidelines, 2015. Collection method: clinical testing. Allele origin: germline. Not counted in ClinVar's aggregate classification.

Kariminejad - Najmabadi Pathology & Genetics Center
Classification: Pathogenic for Abnormality of the musculature. Last evaluated: 2021-07-10. Review status: criteria provided, single submitter. Criteria: ACMG Guidelines, 2015. Collection method: clinical testing. Allele origin: germline. Affected: yes. Not counted in ClinVar's aggregate classification.